The following is an entry in ClinVar:

NM_024301.5(FKRP):c.1330C>G (p.His444Asp)

Gene: FKRP (fukutin related protein; plus strand). Cytogenetic location: 19q13.32.
Variant type: single nucleotide variant.
Coding change: c.1330C>G on transcript NM_024301.5 (MANE Select); coding-DNA position 1330, C replaced by G.
Protein change: p.His444Asp; replaces histidine 444 with aspartic acid.
Molecular consequence: missense variant.
Genome position (GRCh38, 1-based): chr19:46,756,780, C>G. VCF-style: chr19-46756780-C-G. GRCh37 (hg19) VCF-style: chr19-47260037-C-G.
Other names: c.1330C>G, p.His444Asp (NM_001039885.3); short protein forms H444D.
Identifiers: ClinVar variation 3227825 (VCV003227825.1), dbSNP rs1325787979, ClinGen allele CA406497149.

ClinVar aggregate classification (germline): Uncertain significance (1 of 4 stars; one submission).

Conditions:
Cardiovascular phenotype. Identifiers: MedGen CN230736.

Submission:

Ambry Genetics
Classification: Uncertain significance for Cardiovascular phenotype. Last evaluated: 2023-11-09. Review status: criteria provided, single submitter. Criteria: Ambry Variant Classification Scheme 2023. Collection method: clinical testing. Allele origin: germline.
Comment: The p.H444D variant (also known as c.1330C>G), located in coding exon 1 of the FKRP gene, results from a C to G substitution at nucleotide position 1330. The histidine at codon 444 is replaced by aspartic acid, an amino acid with similar properties. This amino acid position is conserved. In addition, this alteration is predicted to be deleterious by in silico analysis. Since supporting evidence is limited at this time, the clinical significance of this alteration remains unclear.